The following is an entry in ClinVar:

NM_001355436.2(SPTB):c.5761del (p.Ser1921fs)

Gene: SPTB (spectrin beta, erythrocytic; minus strand). Cytogenetic location: 14q23.3.
Variant type: Deletion.
Coding change: c.5761del on transcript NM_001355436.2 (MANE Select); coding-DNA position 5761, one base deleted (A; older notation c.5761delA).
Protein change: p.Ser1921fs; shifts the reading frame from serine 1921.
Molecular consequence: frameshift variant.
Genome position (GRCh38, 1-based): chr14:64,770,922, T deleted on the plus strand (A on the coding strand, the reverse complement: SPTB is on the minus strand). VCF-style (leftmost placement, unchanged base first): chr14-64770921-CT-C. GRCh37 (hg19) VCF-style: chr14-65237639-CT-C.
Other names: p.Ser1921Alafs*22; c.5761del, p.Ser1921fs (NM_001024858.4, NM_001355437.2); short protein forms S1921fs.
Identifiers: ClinVar variation 4541841 (VCV004541841.1).

ClinVar aggregate classification (germline): Likely pathogenic (1 of 4 stars; one submission).

Submission:

Mayo Clinic Laboratories, Mayo Clinic
Classification: Likely pathogenic. Last evaluated: 2025-06-17. Review status: criteria provided, single submitter. Criteria: ACMG Guidelines, 2015. Collection method: clinical testing. Allele origin: germline. Observed: 2 variant alleles.
Comment: PM2_supporting, PVS1